The following is an entry in ClinVar:

ClinVar aggregate classification (germline): Uncertain significance (1 of 4 stars; one submission).

Conditions:
Congenital disorder of glycosylation (CDG). Also called: Carbohydrate-deficient glycoprotein syndrome; Congenital disorders of glycosylation. Identifiers: Orphanet 137, MedGen C0282577, MONDO:0015286.

Allele frequency attached by ClinVar (database versions not stated): TOPMed below 0.00001; gnomAD 0.00001; gnomAD exomes 0.00001 and 0.00003.
gnomAD v4.1: 45 of 1,613,618 alleles (0.0028%); highest among the groups gnomAD compares: Non-Finnish European, 0.0035%; no homozygotes.

Submission:

Labcorp Genetics (formerly Invitae), Labcorp
Classification: Uncertain significance for Congenital disorder of glycosylation. Last evaluated: 2023-11-27. Review status: criteria provided, single submitter. Criteria: Invitae Variant Classification Sherloc (09022015). Collection method: clinical testing. Allele origin: germline.
Comment: This sequence change replaces valine, which is neutral and non-polar, with alanine, which is neutral and non-polar, at codon 367 of the RPN2 protein (p.Val367Ala). This variant is present in population databases (no rsID available, gnomAD 0.004%). This variant has not been reported in the literature in individuals affected with RPN2-related conditions. ClinVar contains an entry for this variant (Variation ID: 582814). An algorithm developed to predict the effect of missense changes on protein structure and function (PolyPhen-2) suggests that this variant is likely to be tolerated. In summary, the available evidence is currently insufficient to determine the role of this variant in disease. Therefore, it has been classified as a Variant of Uncertain Significance.

NM_002951.5(RPN2):c.1100T>C (p.Val367Ala)

Gene: RPN2 (ribophorin II; plus strand). Cytogenetic location: 20q11.23.
Variant type: single nucleotide variant.
Coding change: c.1100T>C on transcript NM_002951.5 (MANE Select); coding-DNA position 1100, T replaced by C.
Protein change: p.Val367Ala; replaces valine 367 with alanine.
Molecular consequence: missense variant.
Genome position (GRCh38, 1-based): chr20:37,223,885, T>C. VCF-style: chr20-37223885-T-C. GRCh37 (hg19) VCF-style: chr20-35852288-T-C.
Other names: c.1004T>C, p.Val335Ala (NM_001135771.3); c.1100T>C, p.Val367Ala (NM_001324299.2, NM_001324302.2, NM_001324303.2 and 1 more transcripts); c.1148T>C, p.Val383Ala (NM_001324301.2, NM_001324305.2); c.629T>C, p.Val210Ala (NM_001324306.2); short protein forms V367A, V210A, V335A, V383A.
Identifiers: ClinVar variation 582814 (VCV000582814.8), dbSNP rs977981583, ClinGen allele CA314317676.